The following is an entry in ClinVar:

NM_015378.4(VPS13D):c.3224A>G (p.Glu1075Gly)

Gene: VPS13D (vacuolar protein sorting 13 homolog D; plus strand). Cytogenetic location: 1p36.22.
Variant type: single nucleotide variant.
Coding change: c.3224A>G on transcript NM_015378.4 (MANE Select); coding-DNA position 3224, A replaced by G.
Protein change: p.Glu1075Gly; replaces glutamic acid 1075 with glycine.
Molecular consequence: missense variant.
Genome position (GRCh38, 1-based): chr1:12,276,812, A>G. VCF-style: chr1-12276812-A-G. GRCh37 (hg19) VCF-style: chr1-12336869-A-G.
Other names: c.3224A>G, p.Glu1075Gly (NM_018156.4); short protein forms E1075G.
Identifiers: ClinVar variation 2973484 (VCV002973484.3), dbSNP rs2524023241, ClinGen allele CA338474118.

ClinVar aggregate classification (germline): Uncertain significance (1 of 4 stars; one submission).

gnomAD v4.1: 5 of 1,614,206 alleles (0.00031%); highest among the groups gnomAD compares: Non-Finnish European, 0.00042%; no homozygotes.

Submission:

Labcorp Genetics (formerly Invitae), Labcorp
Classification: Uncertain significance. Last evaluated: 2023-11-24. Review status: criteria provided, single submitter. Criteria: Invitae Variant Classification Sherloc (09022015). Collection method: clinical testing. Allele origin: germline.
Comment: This sequence change replaces glutamic acid, which is acidic and polar, with glycine, which is neutral and non-polar, at codon 1075 of the VPS13D protein (p.Glu1075Gly). This variant is not present in population databases (gnomAD no frequency). This variant has not been reported in the literature in individuals affected with VPS13D-related conditions. Advanced modeling of protein sequence and biophysical properties (such as structural, functional, and spatial information, amino acid conservation, physicochemical variation, residue mobility, and thermodynamic stability) performed at Invitae indicates that this missense variant is not expected to disrupt VPS13D protein function with a negative predictive value of 80%. In summary, the available evidence is currently insufficient to determine the role of this variant in disease. Therefore, it has been classified as a Variant of Uncertain Significance.